The following is an entry in ClinVar:

NM_022821.4(ELOVL1):c.458G>A (p.Trp153Ter)

Gene: ELOVL1 (ELOVL fatty acid elongase 1; minus strand). Cytogenetic location: 1p34.2.
Variant type: single nucleotide variant.
Coding change: c.458G>A on transcript NM_022821.4 (MANE Select); coding-DNA position 458, G replaced by A.
Protein change: p.Trp153Ter; replaces tryptophan 153 with a stop codon.
Molecular consequence: nonsense.
Genome position (GRCh38, 1-based): chr1:43,364,565, C>T on the plus strand (G>A on the coding strand, the complement: ELOVL1 is on the minus strand). VCF-style: chr1-43364565-C-T. GRCh37 (hg19) VCF-style: chr1-43830236-C-T.
Other names: c.458G>A, p.Trp153Ter (NM_001256399.2); c.377G>A, p.Trp126Ter (NM_001256401.2); c.215G>A, p.Trp72Ter (NM_001256402.2); short protein forms W126*, W153*, W72*.
Identifiers: ClinVar variation 3048379 (VCV003048379.2), dbSNP rs879643078, ClinGen allele CA340015426.

ClinVar aggregate classification (germline): Uncertain significance (0 of 4 stars; one submission).

Conditions:
ELOVL1-related disorder. Also called: ELOVL1-related condition.

Submission:

PreventionGenetics, part of Exact Sciences
Classification: Uncertain significance for ELOVL1-related condition. Last evaluated: 2024-01-04. Review status: no assertion criteria provided. Collection method: clinical testing. Allele origin: germline.
Comment: The ELOVL1 c.458G>A variant is predicted to result in premature protein termination (p.Trp153*). To our knowledge, this variant has not been reported in the literature or in a large population database, indicating this variant is rare. Loss-of-function has not been established as a mechanism of disease in EVOL1, although it should be noted that gnomAD data does suggest EVOL1 is intolerant to loss-of-function variation. Although we suspect that this variant may be pathogenic, at this time, the clinical significance of this variant is uncertain due to the absence of conclusive functional and genetic evidence.